The following is an entry in ClinVar:

ClinVar aggregate classification (germline): Uncertain significance. Review status: criteria provided, multiple submitters, no conflicts (2 of 4 stars). 2 submissions from 2 submitters: Uncertain significance (2). Last evaluated 2024-01-15.

Conditions:
Primary ciliary dyskinesia. Also called: Ciliary dyskinesia. Identifiers: Orphanet 244, MedGen C0008780, MONDO:0016575, HP:0012265.

Allele frequency attached by ClinVar (database versions not stated): ExAC 0.00002; TOPMed 0.00003; gnomAD 0.00004; gnomAD exomes 0.00007.
gnomAD v4.1: 100 of 1,572,906 alleles (0.0064%); highest among the groups gnomAD compares: Non-Finnish European, 0.0084%; no homozygotes.

Submissions (2):

Labcorp Genetics (formerly Invitae), Labcorp
Classification: Uncertain significance for Primary ciliary dyskinesia. Last evaluated: 2024-01-15. Review status: criteria provided, single submitter. Criteria: Invitae Variant Classification Sherloc (09022015). Collection method: clinical testing. Allele origin: germline.
Comment: This sequence change replaces tyrosine, which is neutral and polar, with histidine, which is basic and polar, at codon 228 of the DNAAF2 protein (p.Tyr228His). This variant is present in population databases (rs751664496, gnomAD 0.006%). This variant has not been reported in the literature in individuals affected with DNAAF2-related conditions. ClinVar contains an entry for this variant (Variation ID: 1755678). Advanced modeling of protein sequence and biophysical properties (such as structural, functional, and spatial information, amino acid conservation, physicochemical variation, residue mobility, and thermodynamic stability) performed at Invitae indicates that this missense variant is expected to disrupt DNAAF2 protein function with a positive predictive value of 80%. In summary, the available evidence is currently insufficient to determine the role of this variant in disease. Therefore, it has been classified as a Variant of Uncertain Significance.

Ambry Genetics
Classification: Uncertain significance for Primary ciliary dyskinesia. Last evaluated: 2015-10-12. Review status: criteria provided, single submitter. Criteria: Ambry Variant Classification Scheme 2023. Collection method: clinical testing. Allele origin: germline.
Comment: The p.Y228H variant (also known as c.682T>C), located in coding exon 1 of the DNAAF2 gene, results from a T to C substitution at nucleotide position 682. The tyrosine at codon 228 is replaced by histidine, an amino acid with similar properties. This variant was not reported in population based cohorts in the following databases: Database of Single Nucleotide Polymorphisms (dbSNP), NHLBI Exome Sequencing Project (ESP), and 1000 Genomes Project. In the ESP, this variant was not observed in 5731 samples (11462 alleles) with coverage at this position. This amino acid position is well conserved on limited sequence alignment. In addition, this alteration is predicted to be tolerated by in silico analysis. Since supporting evidence is limited at this time, the clinical significance of this variant remains unclear.

NM_018139.3(DNAAF2):c.682T>C (p.Tyr228His)

Gene: DNAAF2 (dynein axonemal assembly factor 2; minus strand). Cytogenetic location: 14q21.3.
Variant type: single nucleotide variant.
Coding change: c.682T>C on transcript NM_018139.3 (MANE Select); coding-DNA position 682, T replaced by C.
Protein change: p.Tyr228His; replaces tyrosine 228 with histidine.
Molecular consequence: missense variant.
Genome position (GRCh38, 1-based): chr14:49,634,468, A>G on the plus strand (T>C on the coding strand, the complement: DNAAF2 is on the minus strand). VCF-style: chr14-49634468-A-G. GRCh37 (hg19) VCF-style: chr14-50101186-A-G.
Other names: c.682T>C, p.Tyr228His (NM_001083908.2); short protein forms Y228H.
Identifiers: ClinVar variation 1755678 (VCV001755678.3), dbSNP rs751664496, ClinGen allele CA7173054.